The following is an entry in ClinVar:

ClinVar aggregate classification (germline): Likely pathogenic (1 of 4 stars; one submission).

Conditions:
Coffin-Siris syndrome 1 (CSS1). Also called: Mental retardation, autosomal dominant 12; ARID1B-Related Coffin-Siris Syndrome. Identifiers: Orphanet 1465, MedGen C3281201, MONDO:0007617, OMIM 135900. Disease mechanism: gain of function.

Submission:

Women's Health and Genetics/Laboratory Corporation of America, LabCorp
Classification: Likely pathogenic for Coffin-Siris syndrome 1. Last evaluated: 2026-04-30. Review status: criteria provided, single submitter. Criteria: LabCorp Variant Classification Summary - May 2015. Collection method: clinical testing. Allele origin: germline.
Comment: Variant summary: The variant involves the duplication of exons 1-20 in the ARID1B gene. A presumed nomenclature of c.(?_-304)_(*2889_?)dup has been designated for the purposes of this classification. This duplication includes the entire coding sequence of the gene. As exact breakpoints are unknown, it may extend beyond the annotated region of the gene, to include other flanking genes. Similar copy number gains were absent in 21688 control chromosomes and were not observed in DGV Gold. Similar copy number gains including ARID1B have been reported in numerous (often de novo) individuals with a distinct BAFopathy characterized primarily by neurodevelopmental delay, intellectual disability, language delay, and behavioral anomalies in a majority of patients, as well as variable other syndromic features (example, van der Sluijs_2025). The smallest region of overlap amongst these affected probands always included a duplication of the entire ARID1B gene. These report(s) do not provide unequivocal conclusions about association of the variant with Coffin-Siris Syndrome 1. However, probability of triplosensitivity for this gene is high (PMID: 35917817). To our knowledge, no experimental evidence demonstrating an impact on protein function has been reported. The following publications have been ascertained in the context of this evaluation (PMID: 39355979, 37432431, 33584783). ClinVar contains an entry for a similar copy number variant (Variation ID: 2426585). Based on the evidence outlined above, the variant was classified as likely pathogenic.

Literature cited by the submitters: PubMed 33584783; PubMed 37432431; PubMed 39355979.

NC_000006.11:g.(?_157098511)_(157531914_?)dup

Gene: ARID1B (AT-rich interaction domain 1B; plus strand). Cytogenetic location: 6q25.3.
Variant type: Duplication.
Identifiers: ClinVar variation 4848357 (VCV004848357.1).